The following is an entry in ClinVar:

NM_001184.4(ATR):c.2351A>G (p.Asp784Gly)

Gene: ATR (ATR serine/threonine kinase; minus strand). Cytogenetic location: 3q23.
Variant type: single nucleotide variant.
Coding change: c.2351A>G on transcript NM_001184.4 (MANE Select); coding-DNA position 2351, A replaced by G.
Protein change: p.Asp784Gly; replaces aspartic acid 784 with glycine.
Molecular consequence: missense variant.
Genome position (GRCh38, 1-based): chr3:142,554,006, T>C on the plus strand (A>G on the coding strand, the complement: ATR is on the minus strand). VCF-style: chr3-142554006-T-C. GRCh37 (hg19) VCF-style: chr3-142272848-T-C.
Other names: c.2159A>G, p.Asp720Gly (NM_001354579.2); short protein forms D720G, D784G.
Identifiers: ClinVar variation 3462314 (VCV003462314.1).

ClinVar aggregate classification (germline): Uncertain significance (1 of 4 stars; one submission).

Conditions:
Inborn genetic diseases. Identifiers: MedGen C0950123, MeSH D030342.

Submission:

Ambry Genetics
Classification: Uncertain significance for Inborn genetic diseases. Last evaluated: 2024-06-29. Review status: criteria provided, single submitter. Criteria: Ambry Variant Classification Scheme 2023. Collection method: clinical testing. Allele origin: germline.
Comment: The p.D784G variant (also known as c.2351A>G), located in coding exon 11 of the ATR gene, results from an A to G substitution at nucleotide position 2351. The aspartic acid at codon 784 is replaced by glycine, an amino acid with similar properties. This amino acid position is conserved. In addition, this alteration is predicted to be tolerated by in silico analysis. Based on the available evidence, the clinical significance of this variant remains unclear.